The following is an entry in ClinVar:

ClinVar aggregate classification (germline): Uncertain significance (1 of 4 stars; one submission).

Allele frequency attached by ClinVar (database versions not stated): TOPMed below 0.00001; gnomAD 0.00001.
gnomAD v4.1: 1 of 1,612,806 alleles (0.000062%); highest among the groups gnomAD compares: Non-Finnish European, 0.000085%; no homozygotes.

Submission:

Labcorp Genetics (formerly Invitae), Labcorp
Classification: Uncertain significance. Last evaluated: 2024-10-29. Review status: criteria provided, single submitter. Criteria: Invitae Variant Classification Sherloc (09022015). Collection method: clinical testing. Allele origin: germline.
Comment: This sequence change replaces alanine, which is neutral and non-polar, with glycine, which is neutral and non-polar, at codon 147 of the LZTFL1 protein (p.Ala147Gly). This variant is not present in population databases (gnomAD no frequency). This variant has not been reported in the literature in individuals affected with LZTFL1-related conditions. ClinVar contains an entry for this variant (Variation ID: 857972). Invitae Evidence Modeling of protein sequence and biophysical properties (such as structural, functional, and spatial information, amino acid conservation, physicochemical variation, residue mobility, and thermodynamic stability) indicates that this missense variant is not expected to disrupt LZTFL1 protein function with a negative predictive value of 80%. In summary, the available evidence is currently insufficient to determine the role of this variant in disease. Therefore, it has been classified as a Variant of Uncertain Significance.

NM_020347.4(LZTFL1):c.440C>G (p.Ala147Gly)

Gene: LZTFL1 (leucine zipper transcription factor like 1; minus strand). Cytogenetic location: 3p21.31.
Variant type: single nucleotide variant.
Coding change: c.440C>G on transcript NM_020347.4 (MANE Select); coding-DNA position 440, C replaced by G.
Protein change: p.Ala147Gly; replaces alanine 147 with glycine.
Molecular consequence: missense variant. On other transcripts: non-coding transcript variant (1).
Genome position (GRCh38, 1-based): chr3:45,833,066, G>C on the plus strand (C>G on the coding strand, the complement: LZTFL1 is on the minus strand). VCF-style: chr3-45833066-G-C. GRCh37 (hg19) VCF-style: chr3-45874558-G-C.
Other names: c.389C>G, p.Ala130Gly (NM_001276378.2, NM_001386451.1); c.428C>G, p.Ala143Gly (NM_001276379.2); c.440C>G, p.Ala147Gly (NM_001386452.1); short protein forms A130G, A147G, A143G.
Identifiers: ClinVar variation 857972 (VCV000857972.6), dbSNP rs1245151586, ClinGen allele CA352451310.